The following is an entry in ClinVar:

NM_001023.4(RPS20):c.178-3C>T

Gene: RPS20 (ribosomal protein S20; minus strand). Cytogenetic location: 8q12.1.
Variant type: single nucleotide variant.
Coding change: c.178-3C>T on transcript NM_001023.4 (MANE Select); 3 bases into the intron before coding-DNA position 178, C replaced by T.
Molecular consequence: intron variant.
Genome position (GRCh38, 1-based): chr8:56,073,275, G>A on the plus strand (C>T on the coding strand, the complement: RPS20 is on the minus strand). VCF-style: chr8-56073275-G-A. GRCh37 (hg19) VCF-style: chr8-56985834-G-A.
Other names: c.178-3C>T (NM_001146227.3, NM_001023.3).
Identifiers: ClinVar variation 2194406 (VCV002194406.6), dbSNP rs878869472, ClinGen allele CA1785826090.

ClinVar aggregate classification (germline): Conflicting classifications of pathogenicity. Review status: criteria provided, conflicting classifications (1 of 4 stars). 2 submissions from 2 submitters: Uncertain significance (1); Likely benign (1). Last evaluated 2026-03-02.

Allele frequency attached by ClinVar (database versions not stated): gnomAD exomes below 0.00001.
gnomAD v4.1: 5 of 1,585,444 alleles (0.00032%); highest among the groups gnomAD compares: Non-Finnish European, 0.00043%; no homozygotes.

Submissions (2):

Ambry Genetics
Classification: Likely benign. Last evaluated: 2026-03-02. Review status: criteria provided, single submitter. Criteria: Ambry Variant Classification Scheme 2023. Collection method: clinical testing. Allele origin: germline.

Labcorp Genetics (formerly Invitae), Labcorp
Classification: Uncertain significance. Last evaluated: 2023-10-23. Review status: criteria provided, single submitter. Criteria: Invitae Variant Classification Sherloc (09022015). Collection method: clinical testing. Allele origin: germline.
Comment: This sequence change falls in intron 3 of the RPS20 gene. It does not directly change the encoded amino acid sequence of the RPS20 protein. It affects a nucleotide within the consensus splice site. This variant is not present in population databases (gnomAD no frequency). This variant has not been reported in the literature in individuals affected with RPS20-related conditions. ClinVar contains an entry for this variant (Variation ID: 2194406). Variants that disrupt the consensus splice site are a relatively common cause of aberrant splicing (PMID: 17576681, 9536098). Algorithms developed to predict the effect of sequence changes on RNA splicing suggest that this variant is not likely to affect RNA splicing. In summary, the available evidence is currently insufficient to determine the role of this variant in disease. Therefore, it has been classified as a Variant of Uncertain Significance.

Literature cited by the submitters: PubMed 17576681 (cited by Labcorp Genetics (formerly Invitae), Labcorp); PubMed 9536098 (cited by Labcorp Genetics (formerly Invitae), Labcorp).